The following is an entry in ClinVar:

NM_006371.5(CRTAP):c.721T>G (p.Tyr241Asp)

Gene: CRTAP (cartilage associated protein; plus strand). Cytogenetic location: 3p22.3.
Variant type: single nucleotide variant.
Coding change: c.721T>G on transcript NM_006371.5 (MANE Select); coding-DNA position 721, T replaced by G.
Protein change: p.Tyr241Asp; replaces tyrosine 241 with aspartic acid.
Molecular consequence: missense variant.
Genome position (GRCh38, 1-based): chr3:33,124,507, T>G. VCF-style: chr3-33124507-T-G. GRCh37 (hg19) VCF-style: chr3-33165999-T-G.
Other names: c.721T>G, p.Tyr241Asp (NM_001393363.1, NM_001393364.1); c.571T>G, p.Tyr191Asp (NM_001393365.1); short protein forms Y241D, Y191D.
Identifiers: ClinVar variation 1490248 (VCV001490248.6), dbSNP rs2125600442, ClinGen allele CA352009483.

ClinVar aggregate classification (germline): Uncertain significance (1 of 4 stars; one submission).

Conditions:
Osteogenesis imperfecta type 7 (OI7). Also called: OI type 7; OI type VII; OSTEOGENESIS IMPERFECTA, TYPE IIB; Osteogenesis imperfecta type 2B; OI type 2B; Osteogenesis imperfecta, perinatal lethal autosomal recessive. Identifiers: MedGen C1853162, MONDO:0012536, OMIM 610682.

Submission:

Labcorp Genetics (formerly Invitae), Labcorp
Classification: Uncertain significance for Osteogenesis imperfecta type 7. Last evaluated: 2021-09-14. Review status: criteria provided, single submitter. Criteria: Invitae Variant Classification Sherloc (09022015). Collection method: clinical testing. Allele origin: germline.
Comment: This sequence change replaces tyrosine with aspartic acid at codon 241 of the CRTAP protein (p.Tyr241Asp). The tyrosine residue is moderately conserved and there is a large physicochemical difference between tyrosine and aspartic acid. This variant is not present in population databases (ExAC no frequency). This variant has not been reported in the literature in individuals affected with CRTAP-related conditions. Algorithms developed to predict the effect of missense changes on protein structure and function (SIFT, PolyPhen-2, Align-GVGD) all suggest that this variant is likely to be tolerated. In summary, the available evidence is currently insufficient to determine the role of this variant in disease. Therefore, it has been classified as a Variant of Uncertain Significance.